The following is an entry in ClinVar:

ClinVar aggregate classification (germline): Pathogenic. Review status: criteria provided, multiple submitters, no conflicts (2 of 4 stars). 4 submissions from 4 submitters: Pathogenic (3). 1 of the submissions does not count toward it. Last evaluated 2021-08-25.

Conditions:
KCNH2-related disorder. Also called: KCNH2-related disorders; KCNH2-related condition.
Long QT syndrome (LQTS). Identifiers: MedGen C0023976, MeSH D008133, MONDO:0002442. Disease mechanism: loss of function. Inheritance: Various modes of inheritance.
Long QT syndrome 2 (LQT2). Identifiers: Orphanet 101016, Orphanet 768, MedGen C3150943, MONDO:0013367, OMIM 613688.

Submissions (4):

Blueprint Genetics
Classification: Pathogenic for KCNH2-related disorders. Last evaluated: 2021-08-25. Review status: criteria provided, single submitter. Criteria: ACMG Guidelines, 2015. Collection method: clinical testing. Allele origin: germline. Affected: yes. Observed: 3 variant alleles.

GeneDx
Classification: Pathogenic. Last evaluated: 2016-01-18. Review status: criteria provided, single submitter. Criteria: GeneDx Variant Classification (06012015). Collection method: clinical testing. Allele origin: germline. Affected: yes.
Comment: The c.2900dupC pathogenic variant in the KCNH2 gene has been reported previously in association with LQTS (Berge et al., 2008; Seethala et al., 2015). The c.2900dupC varaint causes a shift in reading frame starting at codon Proline 968, changing it to an Alanine, and creating a premature stop codon at position 151 of the new reading frame, denoted p.Pro968AlafsX151. This pathogenic variant is expected to result in an abnormal protein product. Other frameshift variants in the KCNH2 gene have been reported in HGMD in association with LQTS (Stenson et al., 2014). Furthermore, the c.2900dupC variant was not observed in approximately 6,400 individuals of European and African American ancestry in the NHLBI Exome Sequencing Project (average read depth 9.0).

Labcorp Genetics (formerly Invitae), Labcorp
Classification: Pathogenic for Long QT syndrome. Last evaluated: 2015-06-25. Review status: criteria provided, single submitter. Criteria: Invitae Variant Classification Sherloc (09022015). Collection method: clinical testing. Allele origin: germline.
Comment: Truncating sequence changes in KCNH2 are known to be pathogenic (PMID: 10973849, 17576861). In summary, this is a truncating sequence change which is not reported in population databases, and has been observed in in one individual affected with long QT. For these reasons, this sequence change has been classified as Pathogenic This sequence change has been reported in one individual affected with long QT syndrome (PMID: 18752142) and is not present in population databases. This sequence change duplicates a C nucleotide in exon 12 of the KCNH2 mRNA (c.2900dupC), causing a frameshift at codon 968. This creates a premature translational stop signal (p.Pro968Alafs*151) and is expected to result in an absent or truncated protein product.

deCODE genetics, Amgen
Classification: Pathogenic for Long QT syndrome 2. Last evaluated: 2023-07-21. Review status: no assertion criteria provided. Collection method: research. Allele origin: germline. Affected: yes. Observed: 20 variant alleles. Not counted in ClinVar's aggregate classification.
Comment: The variant NM_000238.4:c.2900dup (chr7:150947670) in KCNH2 was detected in 8 heterozygotes out of 58K WGS Icelanders (MAF= 0,007%). Following imputation in a set of 166K Icelanders (20 imputed heterozygotes) we observed an association with an elongation of the qt interval on ECG using measurements from 80068 individuals (Effect (SD)= 1.18, P= 3.38e-03). This variant has been reported in ClinVar previously as pathogenic. Based on ACMG criteria (PVS1, PS4, PP5) this variant classifies as pathogenic.

Literature cited by the submitters: PubMed 10973849 (cited by Labcorp Genetics (formerly Invitae), Labcorp); PubMed 17576861 (cited by Labcorp Genetics (formerly Invitae), Labcorp); PubMed 18752142 (cited by Labcorp Genetics (formerly Invitae), Labcorp).

NM_000238.4(KCNH2):c.2900dup (p.Pro968fs)

Gene: KCNH2 (potassium voltage-gated channel subfamily H member 2; minus strand). Cytogenetic location: 7q36.1.
Variant type: Duplication.
Coding change: c.2900dup on transcript NM_000238.4 (MANE Select); coding-DNA position 2900, one base duplicated (C; older notation c.2900dupC).
Protein change: p.Pro968fs; shifts the reading frame from proline 968.
Molecular consequence: frameshift variant.
Genome position (GRCh38, 1-based): chr7:150,947,671, G duplicated on the plus strand (C on the coding strand, the reverse complement: KCNH2 is on the minus strand); the first of 2 consecutive G bases (chr7:150,947,671-150,947,672); duplicating either gives the same sequence. VCF-style (leftmost placement, unchanged base first): chr7-150947670-C-CG. GRCh37 (hg19) VCF-style: chr7-150644758-C-CG.
Other names: c.2900dupC (NM_000238.3); c.1880dup, p.Pro628fs (NM_172057.3); short protein forms P628fs, P968fs.
Identifiers: ClinVar variation 188144 (VCV000188144.26), dbSNP rs786204101, ClinGen allele CA305332.
Genomic context (GRCh38, chr7:150,947,670, plus strand): 5'-CAGGGGGTTGCAAGTGTCGCTGCTCTTCTCGCAGTCCTCCATCAGGGGCTCCCCACCCGG[C>CG]GGCTCTCCGGGGGGCCTGGGGCTGGAGAAGGGCACCAGGCGGAGGGGGCTGGAGCTGCGG-3'